The following is an entry in ClinVar:

NM_007194.4(CHEK2):c.1019A>C (p.Glu340Ala)

Gene: CHEK2 (checkpoint kinase 2; minus strand). Cytogenetic location: 22q12.1.
Variant type: single nucleotide variant.
Coding change: c.1019A>C on transcript NM_007194.4 (MANE Select); coding-DNA position 1019, A replaced by C.
Protein change: p.Glu340Ala; replaces glutamic acid 340 with alanine.
Molecular consequence: missense variant. On other transcripts: intron variant (3).
Genome position (GRCh38, 1-based): chr22:28,696,977, T>G on the plus strand (A>C on the coding strand, the complement: CHEK2 is on the minus strand). VCF-style: chr22-28696977-T-G. GRCh37 (hg19) VCF-style: chr22-29092965-T-G.
Other names: c.356A>C, p.Glu119Ala (NM_001437942.1, NM_001257387.3); c.1112A>C, p.Glu371Ala (NM_001438293.1); c.1009-1104A>C (NM_145862.3); c.1102-1104A>C (NM_001438295.1); c.1138-1104A>C (NM_001438294.1); c.1148A>C, p.Glu383Ala (NM_001005735.3); c.818A>C, p.Glu273Ala (NM_001349956.3); short protein forms E119A, E340A, E273A, E383A, E371A.
Identifiers: ClinVar variation 2775067 (VCV002775067.1), dbSNP rs747655283, ClinGen allele CA411097809.
Genomic context (GRCh38, chr22:28,696,977, plus strand): 5'-TCTTCTTGAGATGACAGTAAAACATTCTCTGGCTTTAAGTCACGGTGTATAATACCGTTT[T>G]CATGAAGGTACTACACAGAAAGGCAGGCATGACCCTCAGATTCATGCAGTAGATACTTAA-3'
Protein context (NP_009125.1, residues 330-350): QMLLAVQYLH[Glu340Ala]NGIIHRDLKP

ClinVar aggregate classification (germline): Uncertain significance (1 of 4 stars; one submission).

Conditions:
Hereditary cancer-predisposing syndrome. Also called: Neoplastic Syndromes, Hereditary; Tumor predisposition; Hereditary Cancer Syndrome; Hereditary neoplastic syndrome. Identifiers: Orphanet 140162, MedGen C0027672, MeSH D009386, MONDO:0015356.

Submission:

Color Diagnostics, LLC DBA Color Health
Classification: Uncertain significance for Hereditary cancer-predisposing syndrome. Last evaluated: 2024-03-06. Review status: criteria provided, single submitter. Criteria: ACMG Guidelines, 2015. Collection method: clinical testing. Allele origin: germline.
Comment: This missense variant replaces glutamic acid with alanine at codon 340 of the CHEK2 protein. Computational prediction suggests that this variant may not impact protein structure and function (internally defined REVEL score threshold <= 0.5, PMID: 27666373). To our knowledge, functional studies have not been reported for this variant. This variant has not been reported in individuals affected with hereditary cancer in the literature. This variant has not been identified in the general population by the Genome Aggregation Database (gnomAD). The available evidence is insufficient to determine the role of this variant in disease conclusively. Therefore, this variant is classified as a Variant of Uncertain Significance.